The following is an entry in ClinVar:

ClinVar aggregate classification (germline): Uncertain significance. Review status: criteria provided, multiple submitters, no conflicts (2 of 4 stars). 2 submissions from 2 submitters: Uncertain significance (2). Last evaluated 2023-01-16.

Conditions:
POLD1-related polyposis and colorectal cancer syndrome (CRCS10). Also called: COLORECTAL CANCER, SUSCEPTIBILITY TO, ON CHROMOSOME 19q; Colorectal cancer 10; Colorectal cancer, susceptibility to, 10. Identifiers: Orphanet 220460, MedGen C2675481, MONDO:0012953, OMIM 612591.
Hereditary cancer-predisposing syndrome. Also called: Neoplastic Syndromes, Hereditary; Tumor predisposition; Hereditary Cancer Syndrome; Hereditary neoplastic syndrome. Identifiers: Orphanet 140162, MedGen C0027672, MeSH D009386, MONDO:0015356.

gnomAD v4.1: 1 of 1,549,622 alleles (0.000065%); highest among the groups gnomAD compares: Non-Finnish European, 0.000087%; no homozygotes.

Submissions (2):

Ambry Genetics
Classification: Uncertain significance for Hereditary cancer-predisposing syndrome. Last evaluated: 2023-01-16. Review status: criteria provided, single submitter. Criteria: Ambry Variant Classification Scheme 2023. Collection method: clinical testing. Allele origin: germline.
Comment: The p.H948Y variant (also known as c.2842C>T), located in coding exon 22 of the POLD1 gene, results from a C to T substitution at nucleotide position 2842. The histidine at codon 948 is replaced by tyrosine, an amino acid with similar properties. This amino acid position is conserved. In addition, this alteration is predicted to be tolerated by in silico analysis. Since supporting evidence is limited at this time, the clinical significance of this alteration remains unclear.

Labcorp Genetics (formerly Invitae), Labcorp
Classification: Uncertain significance for POLD1-related polyposis and colorectal cancer syndrome. Last evaluated: 2022-12-15. Review status: criteria provided, single submitter. Criteria: Invitae Variant Classification Sherloc (09022015). Collection method: clinical testing. Allele origin: germline.
Comment: Advanced modeling of protein sequence and biophysical properties (such as structural, functional, and spatial information, amino acid conservation, physicochemical variation, residue mobility, and thermodynamic stability) performed at Invitae indicates that this missense variant is expected to disrupt POLD1 protein function. In summary, the available evidence is currently insufficient to determine the role of this variant in disease. Therefore, it has been classified as a Variant of Uncertain Significance. This sequence change replaces histidine, which is basic and polar, with tyrosine, which is neutral and polar, at codon 948 of the POLD1 protein (p.His948Tyr). This variant is not present in population databases (gnomAD no frequency). This variant has not been reported in the literature in individuals affected with POLD1-related conditions.

NM_002691.4(POLD1):c.2842C>T (p.His948Tyr)

Gene: POLD1 (DNA polymerase delta 1, catalytic subunit; plus strand). Cytogenetic location: 19q13.33.
Variant type: single nucleotide variant.
Coding change: c.2842C>T on transcript NM_002691.4 (MANE Select); coding-DNA position 2842, C replaced by T.
Protein change: p.His948Tyr; replaces histidine 948 with tyrosine.
Molecular consequence: missense variant. On other transcripts: non-coding transcript variant (1).
Genome position (GRCh38, 1-based): chr19:50,416,417, C>T. VCF-style: chr19-50416417-C-T. GRCh37 (hg19) VCF-style: chr19-50919674-C-T.
Other names: c.2842C>T, p.His948Tyr (NM_001256849.1); c.2920C>T, p.His974Tyr (NM_001308632.1); short protein forms H948Y, H974Y.
Identifiers: ClinVar variation 2497346 (VCV002497346.5), dbSNP rs2514065384, ClinGen allele CA406986266.